The following is an entry in ClinVar:

ClinVar aggregate classification (germline): Uncertain significance (1 of 4 stars; one submission).

Conditions:
Netherton syndrome (NETH). Also called: ERYTHRODERMA, ICHTHYOSIFORM, WITH HYPOTRICHOSIS AND HYPER-IgE; COMEL-NETHERTON SYNDROME; NETHERTON DISEASE. Identifiers: Orphanet 634, MedGen C5574950, MONDO:0009735, OMIM 256500.

Allele frequency attached by ClinVar (database versions not stated): gnomAD exomes below 0.00001.
gnomAD v4.1: 2 of 1,612,442 alleles (0.00012%); highest among the groups gnomAD compares: Non-Finnish European, 0.000085%; no homozygotes.

Submission:

Labcorp Genetics (formerly Invitae), Labcorp
Classification: Uncertain significance for Ichthyosis linearis circumflexa. Last evaluated: 2022-05-08. Review status: criteria provided, single submitter. Criteria: Invitae Variant Classification Sherloc (09022015). Collection method: clinical testing. Allele origin: germline.
Comment: This sequence change replaces histidine, which is basic and polar, with arginine, which is basic and polar, at codon 82 of the SPINK5 protein (p.His82Arg). This variant is not present in population databases (gnomAD no frequency). This variant has not been reported in the literature in individuals affected with SPINK5-related conditions. Algorithms developed to predict the effect of missense changes on protein structure and function output the following: SIFT: "Tolerated"; PolyPhen-2: "Benign"; Align-GVGD: "Class C0". The arginine amino acid residue is found in multiple mammalian species, which suggests that this missense change does not adversely affect protein function. In summary, the available evidence is currently insufficient to determine the role of this variant in disease. Therefore, it has been classified as a Variant of Uncertain Significance.

NM_006846.4(SPINK5):c.245A>G (p.His82Arg)

Gene: SPINK5 (serine peptidase inhibitor Kazal type 5; plus strand). Cytogenetic location: 5q32.
Variant type: single nucleotide variant.
Coding change: c.245A>G on transcript NM_006846.4 (MANE Select); coding-DNA position 245, A replaced by G.
Protein change: p.His82Arg; replaces histidine 82 with arginine.
Molecular consequence: missense variant.
Genome position (GRCh38, 1-based): chr5:148,072,183, A>G. VCF-style: chr5-148072183-A-G. GRCh37 (hg19) VCF-style: chr5-147451746-A-G.
Other names: c.245A>G, p.His82Arg (NM_001127698.2, NM_001127699.2); short protein forms H82R.
Identifiers: ClinVar variation 2144745 (VCV002144745.1), dbSNP rs2531649978, ClinGen allele CA361888900.